The following is an entry in ClinVar:

ClinVar aggregate classification (germline): Likely benign. Review status: criteria provided, single submitter (1 of 4 stars). 2 submissions from 2 submitters: Likely benign (1). 1 of the submissions does not count toward it. Last evaluated 2025-10-01.

Conditions:
MAPK8IP3-related disorder. Also called: MAPK8IP3-related condition.

Allele frequency attached by ClinVar (database versions not stated): TOPMed below 0.00001; gnomAD 0.00003; gnomAD exomes 0.00005; ExAC 0.00015; 1000 Genomes Project 30x 0.00016; 1000 Genomes Project 0.00020.
gnomAD v4.1: 84 of 1,613,062 alleles (0.0052%); highest among the groups gnomAD compares: South Asian, 0.087%; no homozygotes.

Submissions (2):

CeGaT Center for Human Genetics Tuebingen
Classification: Likely benign. Last evaluated: 2025-10-01. Review status: criteria provided, single submitter. Criteria: CeGaT Center For Human Genetics Tuebingen Variant Classification Criteria Version 2. Collection method: clinical testing. Allele origin: germline. Affected: yes. Observed: 1 variant allele.
Comment: MAPK8IP3: BP4, BP7

PreventionGenetics, part of Exact Sciences
Classification: Likely benign for MAPK8IP3-related condition. Last evaluated: 2024-01-22. Review status: no assertion criteria provided. Collection method: clinical testing. Allele origin: germline. Not counted in ClinVar's aggregate classification.
Comment: This variant is classified as likely benign based on ACMG/AMP sequence variant interpretation guidelines (Richards et al. 2015 PMID: 25741868, with internal and published modifications).

NM_001318852.2(MAPK8IP3):c.1827C>T (p.Phe609=)

Gene: MAPK8IP3 (mitogen-activated protein kinase 8 interacting protein 3; plus strand). Cytogenetic location: 16p13.3.
Variant type: single nucleotide variant.
Coding change: c.1827C>T on transcript NM_001318852.2 (MANE Select); coding-DNA position 1827, C replaced by T.
Protein change: p.Phe609=; no amino-acid change (phenylalanine 609 retained).
Molecular consequence: synonymous variant.
Genome position (GRCh38, 1-based): chr16:1,762,935, C>T. VCF-style: chr16-1762935-C-T. GRCh37 (hg19) VCF-style: chr16-1812936-C-T.
Other names: c.1806C>T, p.Phe602= (NM_001040439.2); c.1824C>T, p.Phe608= (NM_015133.5, NM_033392.3).
Identifiers: ClinVar variation 3050318 (VCV003050318.8), dbSNP rs532102863, ClinGen allele CA7817030.